The following is an entry in ClinVar:

NM_001605.3(AARS1):c.355C>G (p.Leu119Val)

Gene: AARS1 (alanyl-tRNA synthetase 1; minus strand). Cytogenetic location: 16q22.1.
Variant type: single nucleotide variant.
Coding change: c.355C>G on transcript NM_001605.3 (MANE Select); coding-DNA position 355, C replaced by G.
Protein change: p.Leu119Val; replaces leucine 119 with valine.
Molecular consequence: missense variant.
Genome position (GRCh38, 1-based): chr16:70,276,610, G>C on the plus strand (C>G on the coding strand, the complement: AARS1 is on the minus strand). VCF-style: chr16-70276610-G-C. GRCh37 (hg19) VCF-style: chr16-70310513-G-C.
Other names: short protein forms L119V.
Identifiers: ClinVar variation 245832 (VCV000245832.2), dbSNP rs879253967, ClinGen allele CA10584536.

ClinVar aggregate classification (germline): Uncertain significance (1 of 4 stars; one submission).

Submission:

GeneDx
Classification: Uncertain significance. Last evaluated: 2016-03-22. Review status: criteria provided, single submitter. Criteria: GeneDx Variant Classification (06012015). Collection method: clinical testing. Allele origin: germline. Affected: yes.
Comment: The L119V variant in the AARS gene has not been published as a mutation, nor has it been reported as a benign polymorphism to our knowledge. The L119V variant was not observed in approximately 6,500 individuals of European and African American ancestry in the NHLBI Exome Sequencing Project, indicating it is not a common benign variant in these populations. The L119V variant is a conservative amino acid substitution, which is not likely to impact secondary protein structure as these residues share similar properties. However, this substitution occurs at a position that is conserved across species, and in silico analysis predicts this variant is probably damaging to the protein structure/function. We interpret L119V as a variant of uncertain significance.